The following is an entry in ClinVar:

ClinVar aggregate classification (germline): Uncertain significance (1 of 4 stars; one submission).

Submission:

GeneDx
Classification: Uncertain significance. Last evaluated: 2026-10-06. Review status: criteria provided, single submitter. Criteria: GeneDx Variant Classification Process June 2021. Collection method: clinical testing. Allele origin: germline.
Comment: Not observed at significant frequency in large population cohorts (gnomAD); In silico analysis supports that this missense variant does not alter protein structure/function; Has not been previously published as pathogenic or benign to our knowledge

NM_001005273.3(CHD3):c.3877G>T (p.Val1293Leu)

Gene: CHD3 (chromodomain helicase DNA binding protein 3; plus strand). Cytogenetic location: 17p13.1.
Variant type: single nucleotide variant.
Coding change: c.3877G>T on transcript NM_001005273.3 (MANE Select); coding-DNA position 3877, G replaced by T.
Protein change: p.Val1293Leu; replaces valine 1293 with leucine.
Molecular consequence: missense variant.
Genome position (GRCh38, 1-based): chr17:7,903,974, G>T. VCF-style: chr17-7903974-G-T. GRCh37 (hg19) VCF-style: chr17-7807292-G-T.
Other names: c.4054G>T, p.Val1352Leu (NM_001005271.3); c.3877G>T, p.Val1293Leu (NM_005852.4); short protein forms V1293L, V1352L.
Identifiers: ClinVar variation 3373491 (VCV003373491.2).